The following is an entry in ClinVar:

ClinVar aggregate classification (germline): Uncertain significance. Review status: criteria provided, multiple submitters, no conflicts (2 of 4 stars). 5 submissions from 5 submitters: Uncertain significance (5). Last evaluated 2025-11-26.

Conditions:
Spermatogenic failure 28. Identifiers: MedGen C4748117, MONDO:0054732, OMIM 618086.
Premature ovarian failure 15. Identifiers: MedGen C4748170, MONDO:0054862, OMIM 618096.
Inborn genetic diseases. Identifiers: MedGen C0950123, MeSH D030342.
Fanconi anemia (FA). Also called: Fanconi's anemia. Identifiers: Orphanet 84, MedGen C0015625, MeSH D005199, MONDO:0019391.

Allele frequency attached by ClinVar (database versions not stated): gnomAD exomes 0.00016 and 0.00003; gnomAD 0.00001; TOPMed 0.00004; ExAC 0.00012.
gnomAD v4.1: 43 of 1,607,812 alleles (0.0027%); highest among the groups gnomAD compares: Admixed American, 0.072%; no homozygotes.

Submissions (5):

Labcorp Genetics (formerly Invitae), Labcorp
Classification: Uncertain significance for Fanconi anemia. Last evaluated: 2025-11-26. Review status: criteria provided, single submitter. Criteria: Invitae Variant Classification Sherloc (09022015). Collection method: clinical testing. Allele origin: germline.
Comment: This sequence change replaces isoleucine, which is neutral and non-polar, with threonine, which is neutral and polar, at codon 434 of the FANCM protein (p.Ile434Thr). This variant is present in population databases (rs763653491, gnomAD 0.1%). This variant has not been reported in the literature in individuals affected with FANCM-related conditions. ClinVar contains an entry for this variant (Variation ID: 408218). An algorithm developed to predict the effect of missense changes on protein structure and function outputs the following: PolyPhen-2: "Benign". The threonine amino acid residue is found in multiple mammalian species, which suggests that this missense change does not adversely affect protein function. In summary, the available evidence is currently insufficient to determine the role of this variant in disease. Therefore, it has been classified as a Variant of Uncertain Significance.

Quest Diagnostics Nichols Institute San Juan Capistrano
Classification: Uncertain significance. Last evaluated: 2025-05-13. Review status: criteria provided, single submitter. Criteria: Quest Diagnostics criteria. Collection method: clinical testing. Allele origin: unknown.
Comment: The FANCM c.1301T>C (p.Ile434Thr) variant has not been reported in individuals with FANCM-related conditions in the published literature. The frequency of this variant in the general population (Genome Aggregation Database) is higher than would generally be expected for pathogenic variants in this gene. Analysis of this variant using bioinformatics tools for the prediction of the effect of amino acid changes on protein structure and function yielded predictions that this variant is benign. Based on the available information, we are unable to determine the clinical significance of this variant.

Ambry Genetics
Classification: Uncertain significance for Inborn genetic diseases. Last evaluated: 2024-11-22. Review status: criteria provided, single submitter. Criteria: Ambry Variant Classification Scheme 2023. Collection method: clinical testing. Allele origin: germline.
Comment: The p.I434T variant (also known as c.1301T>C), located in coding exon 7 of the FANCM gene, results from a T to C substitution at nucleotide position 1301. The isoleucine at codon 434 is replaced by threonine, an amino acid with similar properties. This amino acid position is conserved. In addition, this alteration is predicted to be tolerated by in silico analysis. Based on the available evidence, the clinical significance of this variant remains unclear.

GeneDx
Classification: Uncertain significance. Last evaluated: 2024-03-01. Review status: criteria provided, single submitter. Criteria: GeneDx Variant Classification Process June 2021. Collection method: clinical testing. Allele origin: germline. Affected: yes.
Comment: In silico analysis supports that this missense variant does not alter protein structure/function; Has not been previously published as pathogenic or benign to our knowledge

Fulgent Genetics
Classification: Uncertain significance for Spermatogenic failure 28; Premature ovarian failure 15. Last evaluated: 2022-04-28. Review status: criteria provided, single submitter. Criteria: ACMG Guidelines, 2015. Collection method: clinical testing. Allele origin: unknown.

NM_020937.4(FANCM):c.1301T>C (p.Ile434Thr)

Gene: FANCM (FA complementation group M; plus strand). Cytogenetic location: 14q21.2.
Variant type: single nucleotide variant.
Coding change: c.1301T>C on transcript NM_020937.4 (MANE Select); coding-DNA position 1301, T replaced by C.
Protein change: p.Ile434Thr; replaces isoleucine 434 with threonine.
Molecular consequence: missense variant.
Genome position (GRCh38, 1-based): chr14:45,154,814, T>C. VCF-style: chr14-45154814-T-C. GRCh37 (hg19) VCF-style: chr14-45624017-T-C.
Other names: c.1223T>C, p.Ile408Thr (NM_001308133.2); c.1301T>C, p.Ile434Thr (NM_001308134.2); c.1301T>C (NM_020937.3); short protein forms I434T, I408T.
Identifiers: ClinVar variation 408218 (VCV000408218.21), dbSNP rs763653491, ClinGen allele CA7168987.